The following is an entry in ClinVar:

ClinVar aggregate classification (germline): Uncertain significance. Review status: criteria provided, multiple submitters, no conflicts (2 of 4 stars). 2 submissions from 2 submitters: Uncertain significance (2). Last evaluated 2026-02-11.

Conditions:
Epidermolysis bullosa simplex 3, localized or generalized intermediate, with BP230 deficiency (EBS3). Also called: Epidermolysis bullosa simplex, autosomal recessive 2; Epidermolysis bullosa simplex due to BP230 deficiency. Identifiers: Orphanet 412181, MedGen C3809470, MONDO:0014180, OMIM 615425.
Hereditary sensory and autonomic neuropathy type 6. Also called: HSAN VI; Neuropathy, hereditary sensory and autonomic, type VI. Identifiers: Orphanet 314381, MedGen C3539003, MONDO:0013839, OMIM 614653.
DST-related disorder. Also called: DST-related condition; DST-related disorders.

Allele frequency attached by ClinVar (database versions not stated): gnomAD exomes 0.00001 and 0.00005; TOPMed 0.00006; ExAC 0.00007; ESP Exome Variant Server 0.00008; gnomAD 0.00008; 1000 Genomes Project 30x 0.00016; 1000 Genomes Project 0.00020.
gnomAD v4.1: 30 of 1,611,954 alleles (0.0019%); highest among the groups gnomAD compares: African/African-American, 0.023%; no homozygotes.

Submissions (2):

PreventionGenetics, part of Exact Sciences
Classification: Uncertain significance for DST-related condition. Last evaluated: 2026-02-11. Review status: criteria provided, single submitter. Criteria: ACMG Guidelines, 2015. Collection method: clinical testing. Allele origin: germline.
Comment: The DST c.1447G>A variant is predicted to result in the amino acid substitution p.Glu483Lys. To our knowledge, this variant has not been reported in the literature. This variant is reported in 0.032% of alleles in individuals of African descent in gnomAD. At this time, the clinical significance of this variant is uncertain due to the absence of conclusive functional and genetic evidence.

Labcorp Genetics (formerly Invitae), Labcorp
Classification: Uncertain significance for Epidermolysis bullosa simplex 3, localized or generalized intermediate, with BP230 deficiency; Hereditary sensory and autonomic neuropathy type 6. Last evaluated: 2024-04-26. Review status: criteria provided, single submitter. Criteria: Invitae Variant Classification Sherloc (09022015). Collection method: clinical testing. Allele origin: germline.
Comment: This sequence change replaces glutamic acid, which is acidic and polar, with lysine, which is basic and polar, at codon 483 of the DST protein (p.Glu483Lys). This variant is present in population databases (rs142588059, gnomAD 0.03%). This variant has not been reported in the literature in individuals affected with DST-related conditions. ClinVar contains an entry for this variant (Variation ID: 944714). An algorithm developed to predict the effect of missense changes on protein structure and function (PolyPhen-2) suggests that this variant is likely to be disruptive. In summary, the available evidence is currently insufficient to determine the role of this variant in disease. Therefore, it has been classified as a Variant of Uncertain Significance.

NM_001374736.1(DST):c.3058G>A (p.Glu1020Lys)

Gene: DST (dystonin; minus strand). Cytogenetic location: 6p12.1.
Variant type: single nucleotide variant.
Coding change: c.3058G>A on transcript NM_001374736.1 (MANE Select); coding-DNA position 3058, G replaced by A.
Protein change: p.Glu1020Lys; replaces glutamic acid 1020 with lysine.
Molecular consequence: missense variant.
Genome position (GRCh38, 1-based): chr6:56,636,559, C>T on the plus strand (G>A on the coding strand, the complement: DST is on the minus strand). VCF-style: chr6-56636559-C-T. GRCh37 (hg19) VCF-style: chr6-56501357-C-T.
Other names: c.2959G>A, p.Glu987Lys (NM_001144769.5); c.2545G>A, p.Glu849Lys (NM_001144770.2); c.3058G>A, p.Glu1020Lys (NM_001374722.1); c.2425G>A, p.Glu809Lys (NM_001374729.1, NM_001374730.1, NM_001386100.1 and 1 more transcripts); c.3085G>A, p.Glu1029Lys (NM_001374734.1); c.1447G>A, p.Glu483Lys (NM_001723.7, NM_015548.5); short protein forms E809K, E987K, E1020K, E1029K, E849K, E483K.
Identifiers: ClinVar variation 944714 (VCV000944714.11), dbSNP rs142588059, ClinGen allele CA3871250.